The following is an entry in ClinVar:

NM_015404.4(WHRN):c.2333G>A (p.Arg778Gln)

Gene: WHRN (whirlin; minus strand). Cytogenetic location: 9q32.
Variant type: single nucleotide variant.
Coding change: c.2333G>A on transcript NM_015404.4 (MANE Select); coding-DNA position 2333, G replaced by A.
Protein change: p.Arg778Gln; replaces arginine 778 with glutamine.
Molecular consequence: missense variant.
Genome position (GRCh38, 1-based): chr9:114,403,981, C>T on the plus strand (G>A on the coding strand, the complement: WHRN is on the minus strand). VCF-style: chr9-114403981-C-T. GRCh37 (hg19) VCF-style: chr9-117166261-C-T.
Other names: c.1184G>A, p.Arg395Gln (NM_001083885.3); c.2330G>A, p.Arg777Gln (NM_001173425.2); c.1280G>A, p.Arg427Gln (NM_001346890.1); short protein forms R778Q, R395Q, R777Q, R427Q.
Identifiers: ClinVar variation 179878 (VCV000179878.14), dbSNP rs727505188, ClinGen allele CA185329.

ClinVar aggregate classification (germline): Conflicting classifications of pathogenicity. Review status: criteria provided, conflicting classifications (1 of 4 stars). 3 submissions from 3 submitters: Uncertain significance (2); Likely benign (1). Last evaluated 2024-06-24.

Allele frequency attached by ClinVar (database versions not stated): gnomAD exomes below 0.00001 and 0.00001.
gnomAD v4.1: 5 of 1,610,872 alleles (0.00031%); highest among the groups gnomAD compares: Admixed American, 0.0017%; no homozygotes.

Submissions (3):

Labcorp Genetics (formerly Invitae), Labcorp
Classification: Uncertain significance. Last evaluated: 2024-06-24. Review status: criteria provided, single submitter. Criteria: Invitae Variant Classification Sherloc (09022015). Collection method: clinical testing. Allele origin: germline.
Comment: This sequence change replaces arginine, which is basic and polar, with glutamine, which is neutral and polar, at codon 778 of the WHRN protein (p.Arg778Gln). This variant is present in population databases (rs727505188, gnomAD 0.0009%). This variant has not been reported in the literature in individuals affected with WHRN-related conditions. ClinVar contains an entry for this variant (Variation ID: 179878). Algorithms developed to predict the effect of missense changes on protein structure and function output the following: SIFT: "Not Available"; PolyPhen-2: "Benign"; Align-GVGD: "Not Available". The glutamine amino acid residue is found in multiple mammalian species, which suggests that this missense change does not adversely affect protein function. In summary, the available evidence is currently insufficient to determine the role of this variant in disease. Therefore, it has been classified as a Variant of Uncertain Significance.

Blueprint Genetics
Classification: Uncertain significance. Last evaluated: 2021-12-10. Review status: criteria provided, single submitter. Criteria: ACMG Guidelines, 2015. Collection method: clinical testing. Allele origin: germline.

Laboratory for Molecular Medicine, Mass General Brigham Personalized Medicine
Classification: Likely benign. Last evaluated: 2014-07-24. Review status: criteria provided, single submitter. Criteria: LMM Criteria. Collection method: clinical testing. Allele origin: germline. Observed: 1 variant allele.
Comment: Arg778Gln in exon 10 of DFNB31: This variant is not expected to have clinical si gnificance due to a lack of conservation across species, including mammals. Of n ote, bushbaby, guinea pig, chinchilla, and brush-tailed rat have a glutamine (Gl n) at this position despite high nearby amino acid conservation. In addition, co mputational prediction tools do not suggest a high likelihood of impact to the p rotein.